The following is an entry in ClinVar:

ClinVar aggregate classification (germline): Pathogenic. Review status: criteria provided, multiple submitters, no conflicts (2 of 4 stars). 9 submissions from 9 submitters: Pathogenic (9). Last evaluated 2026-04-23.

Conditions:
Inborn genetic diseases. Identifiers: MedGen C0950123, MeSH D030342.
Polycystic kidney disease, adult type (PKD1). Also called: POLYCYSTIC KIDNEY DISEASE, ADULT, TYPE I; Polycystic Kidney, Autosomal Dominant; Polycystic Kidney Disease 1, Autosomal Dominant; Polycystic kidney disease 1; Polycystic kidney disease 1, severe; POLYCYSTIC KIDNEY DISEASE 1 WITH OR WITHOUT POLYCYSTIC LIVER DISEASE. Identifiers: MedGen C3149841, MONDO:0008263, OMIM 173900.
PKD1-related disorder. Also called: PKD1-related condition.

Submissions (9):

Women's Health and Genetics/Laboratory Corporation of America, LabCorp
Classification: Pathogenic for Polycystic kidney disease, adult type. Last evaluated: 2026-04-23. Review status: criteria provided, single submitter. Criteria: LabCorp Variant Classification Summary - May 2015. Collection method: clinical testing. Allele origin: germline.
Comment: Variant summary: PKD1 c.412C>T (p.Arg138X) results in a premature termination codon, predicted to cause a truncation of the encoded protein or absence of the protein due to nonsense mediated decay, which are commonly known mechanisms for disease. The variant was absent in 86104 control chromosomes. c.412C>T has been observed in individual(s) affected with autosomal dominant Polycystic Kidney Disease (e.g. Rossetti_2007). The following publication has been ascertained in the context of this evaluation (PMID: 17582161). ClinVar contains an entry for this variant (Variation ID: 636925). Based on the evidence outlined above, the variant was classified as pathogenic.

GeneDx
Classification: Pathogenic. Last evaluated: 2026-01-09. Review status: criteria provided, single submitter. Criteria: GeneDx Variant Classification Process June 2021. Collection method: clinical testing. Allele origin: germline.
Comment: Nonsense variant predicted to result in protein truncation or nonsense mediated decay in a gene for which loss of function is a known mechanism of disease; Not observed at significant frequency in large population cohorts (gnomAD); This variant is associated with the following publications: (PMID: 25525159, 17582161, 32472977, 29860066, 31027891, 34739738, 32398770, 26632257, 37432431)

Mayo Clinic Laboratories, Mayo Clinic
Classification: Pathogenic. Last evaluated: 2025-09-10. Review status: criteria provided, single submitter. Criteria: ACMG Guidelines, 2015. Collection method: clinical testing. Allele origin: germline. Observed: 2 variant alleles.
Comment: PM2_supporting, PS4, PVS1

Ambry Genetics
Classification: Pathogenic for Inborn genetic diseases. Last evaluated: 2025-05-16. Review status: criteria provided, single submitter. Criteria: Ambry Variant Classification Scheme 2023. Collection method: clinical testing. Allele origin: germline.
Comment: The c.412C>T (p.R138*) alteration, located in exon 4 (coding exon 4) of the PKD1 gene, consists of a C to T substitution at nucleotide position 412. This changes the amino acid from an arginine (R) to a stop codon at amino acid position 138. This alteration is expected to result in loss of function by premature protein truncation or nonsense-mediated mRNA decay. This variant was not reported in population-based cohorts in the Genome Aggregation Database (gnomAD). This variant was reported in individual(s) with features consistent with polycystic kidney disease (Rossetti, 2007; Liu, 2015; Ottlewski, 2019; Sch&ouml;nauer, 2020). Based on the available evidence, this alteration is classified as pathogenic.

Laboratory of Genetics, Children's Clinical University Hospital Latvia
Classification: Pathogenic. Last evaluated: 2025-02-16. Review status: criteria provided, single submitter. Criteria: ACMG Guidelines, 2015. Collection method: clinical testing. Allele origin: germline. Affected: yes.

Victorian Clinical Genetics Services, Murdoch Childrens Research Institute
Classification: Pathogenic for Polycystic kidney disease, adult type. Last evaluated: 2024-10-09. Review status: criteria provided, single submitter. Criteria: ACMG Guidelines, 2015. Collection method: clinical testing. Allele origin: germline. Inheritance: Autosomal dominant inheritance. Affected: yes.
Comment: Based on the classification scheme VCGS_Germline_v1.3.4, this variant is classified as Pathogenic. Following criteria are met: 0102 - Loss of function is a known mechanism of disease in this gene and is associated with polycystic kidney disease 1 (MIM#173900). (I) 0107 - This gene is associated with autosomal dominant disease. Polycystic kidney disease 1 (MIM#173900) is predominantly caused by monoallelic variants, with rare reports of biallelic variants causing disease (OMIM). (I) 0201 - Variant is predicted to cause nonsense-mediated decay (NMD) and loss of protein (premature termination codon is located at least 54 nucleotides upstream of the final exon-exon junction). (SP) 0251 - This variant is heterozygous. (I) 0301 - Variant is absent from gnomAD (both v2 and v3). (SP) 0701 - Many other NMD-predicted variants comparable to the one identified in this case have very strong previous evidence for pathogenicity. (DECIPHER). (SP) 0801 - This variant has strong previous evidence of pathogenicity in unrelated individuals. This variant has been classified as pathogenic or likely pathogenic by multiple clinical laboratories in ClinVar and the polycystic kidney disease database. This variant has also been observed in heterozygous individuals with autosomal dominant polycystic kidney disease in the literature, as well as homozygous in an individual with no family history. Neither parent of this individual was noted to be heterozygote (PMID: 17582161, 29860066, 26632257). (SP) 1208 - Inheritance information for this variant is not currently available in this individual. (I) Legend: (SP) - Supporting pathogenic, (I) - Information, (SB) - Supporting benign

Department of Pathology and Laboratory Medicine, Sinai Health System
Classification: Pathogenic for Polycystic kidney disease, adult type. Last evaluated: 2024-05-23. Review status: criteria provided, single submitter. Criteria: ACMG Guidelines, 2015. Collection method: clinical testing. Allele origin: germline. Affected: yes.

Fulgent Genetics
Classification: Pathogenic for Polycystic kidney disease, adult type. Last evaluated: 2024-02-24. Review status: criteria provided, single submitter. Criteria: ACMG Guidelines, 2015. Collection method: clinical testing. Allele origin: germline.

Blueprint Genetics
Classification: Pathogenic for PKD1-related disorders. Last evaluated: 2022-02-15. Review status: criteria provided, single submitter. Criteria: ACMG Guidelines, 2015. Collection method: clinical testing. Allele origin: germline. Affected: yes. Observed: 4 variant alleles.

Literature cited by the submitters: PubMed 17582161 (cited by 5 submitters); PubMed 26632257 (cited by 3 submitters); PubMed 29860066 (cited by Mayo Clinic Laboratories, Mayo Clinic and Victorian Clinical Genetics Services, Murdoch Childrens Research Institute); PubMed 31027891 (cited by Mayo Clinic Laboratories, Mayo Clinic and Ambry Genetics); PubMed 32398770 (cited by Mayo Clinic Laboratories, Mayo Clinic and Ambry Genetics); PubMed 34739738 (cited by Mayo Clinic Laboratories, Mayo Clinic).

NM_001009944.3(PKD1):c.412C>T (p.Arg138Ter)

Gene: PKD1 (polycystin 1, transient receptor potential channel interacting; minus strand). Cytogenetic location: 16p13.3.
Variant type: single nucleotide variant.
Coding change: c.412C>T on transcript NM_001009944.3 (MANE Select); coding-DNA position 412, C replaced by T.
Protein change: p.Arg138Ter; replaces arginine 138 with a stop codon.
Molecular consequence: nonsense.
Genome position (GRCh38, 1-based): chr16:2,118,793, G>A on the plus strand (C>T on the coding strand, the complement: PKD1 is on the minus strand). VCF-style: chr16-2118793-G-A. GRCh37 (hg19) VCF-style: chr16-2168794-G-A.
Other names: p.Arg138*; c.412C>T (NM_000296.3); c.412C>T, p.Arg138Ter (NM_000296.4); short protein forms R138*.
Identifiers: ClinVar variation 636925 (VCV000636925.15), dbSNP rs1596591955, ClinGen allele CA394395572.
Genomic context (GRCh38, chr16:2,118,793, plus strand): 5'-GCCCAGCACACGTGGCTGCCTCGGGCTGCACCACCCGCACCTGCTGCTCCTCCGCCCATC[G>A]CGGCAGCCACGCCAGGCCACAGTCACACTCAAACGGGTTCCCACTCAGGTTTCTGCAGGG-3'